The following is an entry in ClinVar:

ClinVar aggregate classification (germline): Pathogenic. Review status: criteria provided, multiple submitters, no conflicts (2 of 4 stars). 5 submissions from 5 submitters: Pathogenic (5). Last evaluated 2025-10-27.

Conditions:
Hereditary spastic paraplegia 4. Also called: Spastic paraplegia 4, autosomal dominant; Familial spastic paraplegia autosomal dominant 2; Spastic Paraplegia 4. Identifiers: Orphanet 100985, MedGen C1866855, MONDO:0008438, OMIM 182601.

Submissions (5):

Labcorp Genetics (formerly Invitae), Labcorp
Classification: Pathogenic for Hereditary spastic paraplegia 4. Last evaluated: 2025-10-27. Review status: criteria provided, single submitter. Criteria: Invitae Variant Classification Sherloc (09022015). Collection method: clinical testing. Allele origin: germline.
Comment: This sequence change replaces leucine, which is neutral and non-polar, with valine, which is neutral and non-polar, at codon 426 of the SPAST protein (p.Leu426Val). This variant is not present in population databases (gnomAD no frequency). This missense change has been observed in individual(s) with autosomal dominant hereditary spastic paraplegia (PMID: 10699187, 11843700, 15841487, 20718791, 20932283, 22960362). In at least one individual the variant was observed to be de novo. Invitae Evidence Modeling of clinical and family history, age, sex, and reported ancestry of multiple individuals with this SPAST variant has been performed. This variant is expected to be pathogenic with a positive predictive value of at least 99%. This is a validated machine learning model that incorporates the clinical features of 4,195 individuals referred to our laboratory for SPAST testing. ClinVar contains an entry for this variant (Variation ID: 409031). Invitae Evidence Modeling of protein sequence and biophysical properties (such as structural, functional, and spatial information, amino acid conservation, physicochemical variation, residue mobility, and thermodynamic stability) indicates that this missense variant is not expected to disrupt SPAST protein function with a negative predictive value of 80%. Experimental studies have shown that this missense change affects SPAST function (PMID: 11809724). For these reasons, this variant has been classified as Pathogenic.

Neurometabolic Diseases Laboratory, Bellvitge Biomedical Research Institute (IDIBELL)
Classification: Pathogenic for Hereditary spastic paraplegia 4. Last evaluated: 2023-04-27. Review status: criteria provided, single submitter. Criteria: ACMG Guidelines, 2015. Collection method: research. Allele origin: germline. Affected: yes.

Institute of Human Genetics, University of Leipzig Medical Center
Classification: Pathogenic for Hereditary spastic paraplegia 4. Last evaluated: 2023-04-21. Review status: criteria provided, single submitter. Criteria: ACMG Guidelines, 2015. Collection method: clinical testing. Allele origin: paternal. Affected: yes.
Comment: _x000D_ Criteria applied: PS4, PS3_MOD, PM1, PM5, PM2_SUP, PP3

GeneDx
Classification: Pathogenic. Last evaluated: 2017-02-13. Review status: criteria provided, single submitter. Criteria: GeneDx Variant Classification (06012015). Collection method: clinical testing. Allele origin: germline. Affected: yes.
Comment: The L426V variant in the SPAST gene has been reported previously in multiple unrelated individuals with childhood and adult onset hereditary spastic paraplegia (Fonknechten et al., 2000; Meijer et al., 2002; Alvarez et al., 2010; McCorquodale et al., 2011; Nanetti et al., 2012). Functional studies demonstrate that overexpression of the L426V variant results in constitutive binding to microtubules, and may potentially alter their regulation (Errico et al., 2001). The L426V variant is a conservative amino acid substitution, which is not likely to impact secondary protein structure as these residues share similar properties. This substitution occurs at a position, within the AAA ATPase domain, that is conserved across species. In silico analysis predicts this variant is probably damaging to the protein structure/function. We interpret L426V as a pathogenic variant.

Paris Brain Institute, Inserm - ICM
Classification: Pathogenic for Hereditary spastic paraplegia 4. Review status: criteria provided, single submitter. Criteria: ACMG Guidelines, 2015. Collection method: clinical testing. Allele origin: unknown. Affected: yes. Observed: 3 variant alleles.

Literature cited by the submitters: PubMed 10699187 (cited by Labcorp Genetics (formerly Invitae), Labcorp); PubMed 11843700 (cited by Labcorp Genetics (formerly Invitae), Labcorp); PubMed 15841487 (cited by Labcorp Genetics (formerly Invitae), Labcorp); PubMed 20718791 (cited by Labcorp Genetics (formerly Invitae), Labcorp); PubMed 20932283 (cited by Labcorp Genetics (formerly Invitae), Labcorp); PubMed 22960362 (cited by Labcorp Genetics (formerly Invitae), Labcorp); PubMed 11809724 (cited by Labcorp Genetics (formerly Invitae), Labcorp).

NM_014946.4(SPAST):c.1276C>G (p.Leu426Val)

Gene: SPAST (spastin; plus strand). Cytogenetic location: 2p22.3.
Variant type: single nucleotide variant.
Coding change: c.1276C>G on transcript NM_014946.4 (MANE Select); coding-DNA position 1276, C replaced by G.
Protein change: p.Leu426Val; replaces leucine 426 with valine.
Molecular consequence: missense variant.
Genome position (GRCh38, 1-based): chr2:32,136,593, C>G. VCF-style: chr2-32136593-C-G. GRCh37 (hg19) VCF-style: chr2-32361662-C-G.
Other names: c.1273C>G, p.Leu425Val (NM_001363823.2); c.1177C>G, p.Leu393Val (NM_001363875.2); c.1180C>G, p.Leu394Val (NM_001377959.1, NM_199436.2); short protein forms L426V, L393V, L425V, L394V.
Identifiers: ClinVar variation 409031 (VCV000409031.41), dbSNP rs1060502227, ClinGen allele CA16610830.